The following is an entry in ClinVar:

ClinVar aggregate classification (germline): Conflicting classifications of pathogenicity. Review status: criteria provided, conflicting classifications (1 of 4 stars). 2 submissions from 2 submitters: Uncertain significance (1); Likely benign (1). Last evaluated 2025-06-17.

Conditions:
Cardiovascular phenotype. Identifiers: MedGen CN230736.
Arrhythmogenic right ventricular dysplasia 11. Also called: Arrhythmogenic Right Ventricular Dysplasia/Cardiomyopathy11; ARRHYTHMOGENIC RIGHT VENTRICULAR DYSPLASIA, FAMILIAL, 11; Arrhythmogenic right ventricular dysplasia 11 with mild palmoplantar keratoderma and woolly hair. Identifiers: MedGen C1864850, MONDO:0012506, OMIM 610476.

Allele frequency attached by ClinVar (database versions not stated): gnomAD exomes below 0.00001; gnomAD 0.00002.
gnomAD v4.1: 8 of 1,613,938 alleles (0.0005%); highest among the groups gnomAD compares: East Asian, 0.0022%; no homozygotes.

Submissions (2):

Ambry Genetics
Classification: Likely benign for Cardiovascular phenotype. Last evaluated: 2025-06-17. Review status: criteria provided, single submitter. Criteria: Ambry Variant Classification Scheme 2023. Collection method: clinical testing. Allele origin: germline.

Labcorp Genetics (formerly Invitae), Labcorp
Classification: Uncertain significance for Arrhythmogenic right ventricular dysplasia 11. Last evaluated: 2022-10-12. Review status: criteria provided, single submitter. Criteria: Invitae Variant Classification Sherloc (09022015). Collection method: clinical testing. Allele origin: germline.
Comment: In summary, the available evidence is currently insufficient to determine the role of this variant in disease. Therefore, it has been classified as a Variant of Uncertain Significance. Advanced modeling of protein sequence and biophysical properties (such as structural, functional, and spatial information, amino acid conservation, physicochemical variation, residue mobility, and thermodynamic stability) performed at Invitae indicates that this missense variant is not expected to disrupt DSC2 protein function. This variant has not been reported in the literature in individuals affected with DSC2-related conditions. This variant is present in population databases (no rsID available, gnomAD no frequency). This sequence change replaces histidine, which is basic and polar, with arginine, which is basic and polar, at codon 604 of the DSC2 protein (p.His604Arg).

NM_024422.6(DSC2):c.1811A>G (p.His604Arg)

Gene: DSC2 (desmocollin 2; minus strand). Cytogenetic location: 18q12.1.
Variant type: single nucleotide variant.
Coding change: c.1811A>G on transcript NM_024422.6 (MANE Select); coding-DNA position 1811, A replaced by G.
Protein change: p.His604Arg; replaces histidine 604 with arginine.
Molecular consequence: missense variant.
Genome position (GRCh38, 1-based): chr18:31,074,760, T>C on the plus strand (A>G on the coding strand, the complement: DSC2 is on the minus strand). VCF-style: chr18-31074760-T-C. GRCh37 (hg19) VCF-style: chr18-28654726-T-C.
Other names: c.1811A>G (NM_024422.3); c.1382A>G, p.His461Arg (NM_001406506.1, NM_001406507.1); c.1811A>G, p.His604Arg (NM_004949.5); short protein forms H461R, H604R.
Identifiers: ClinVar variation 1900619 (VCV001900619.6), dbSNP rs1206662571, ClinGen allele CA402113962.